The following is an entry in ClinVar:

ClinVar aggregate classification (germline): Conflicting classifications of pathogenicity. Review status: criteria provided, conflicting classifications (1 of 4 stars). 3 submissions from 3 submitters: Uncertain significance (2); Likely benign (1). Last evaluated 2023-01-09.

Conditions:
RBM20-related disorder. Also called: RBM20-related condition.
Cardiovascular phenotype. Identifiers: MedGen CN230736.
Dilated cardiomyopathy 1DD (CMD1DD). Identifiers: Orphanet 154, MedGen C2750995, MONDO:0013168, OMIM 613172.

Allele frequency attached by ClinVar (database versions not stated): gnomAD exomes below 0.00001.
gnomAD v4.1: 3 of 1,551,946 alleles (0.00019%); highest among the groups gnomAD compares: Non-Finnish European, 0.00026%; no homozygotes.

Submissions (3):

PreventionGenetics, part of Exact Sciences
Classification: Uncertain significance for RBM20-related condition. Last evaluated: 2023-01-09. Review status: criteria provided, single submitter. Criteria: ACMG Guidelines, 2015. Collection method: clinical testing. Allele origin: germline.
Comment: The RBM20 c.2868C>A variant is predicted to result in the amino acid substitution p.Asp956Glu. To our knowledge, this variant has not been reported in the literature or in a large population database, indicating this variant is rare. At this time, the clinical significance of this variant is uncertain due to the absence of conclusive functional and genetic evidence.

Labcorp Genetics (formerly Invitae), Labcorp
Classification: Uncertain significance for Dilated cardiomyopathy 1DD. Last evaluated: 2022-04-11. Review status: criteria provided, single submitter. Criteria: Invitae Variant Classification Sherloc (09022015). Collection method: clinical testing. Allele origin: germline.
Comment: In summary, the available evidence is currently insufficient to determine the role of this variant in disease. Therefore, it has been classified as a Variant of Uncertain Significance. Advanced modeling of protein sequence and biophysical properties (such as structural, functional, and spatial information, amino acid conservation, physicochemical variation, residue mobility, and thermodynamic stability) performed at Invitae indicates that this missense variant is not expected to disrupt RBM20 protein function. ClinVar contains an entry for this variant (Variation ID: 538035). This variant has not been reported in the literature in individuals affected with RBM20-related conditions. This variant is not present in population databases (gnomAD no frequency). This sequence change replaces aspartic acid, which is acidic and polar, with glutamic acid, which is acidic and polar, at codon 956 of the RBM20 protein (p.Asp956Glu).

Ambry Genetics
Classification: Likely benign for Cardiovascular phenotype. Last evaluated: 2022-01-12. Review status: criteria provided, single submitter. Criteria: Ambry Variant Classification Scheme 2023. Collection method: clinical testing. Allele origin: germline.

NM_001134363.3(RBM20):c.2868C>A (p.Asp956Glu)

Gene: RBM20 (RNA binding motif protein 20; plus strand). Cytogenetic location: 10q25.2.
Variant type: single nucleotide variant.
Coding change: c.2868C>A on transcript NM_001134363.3 (MANE Select); coding-DNA position 2868, C replaced by A.
Protein change: p.Asp956Glu; replaces aspartic acid 956 with glutamic acid.
Molecular consequence: missense variant.
Genome position (GRCh38, 1-based): chr10:110,821,487, C>A. VCF-style: chr10-110821487-C-A. GRCh37 (hg19) VCF-style: chr10-112581245-C-A.
Other names: short protein forms D956E.
Identifiers: ClinVar variation 538035 (VCV000538035.10), dbSNP rs1554843535, ClinGen allele CA378378167.